The following is an entry in ClinVar:

NM_005560.6(LAMA5):c.5968G>A (p.Ala1990Thr)

Gene: LAMA5 (laminin subunit alpha 5; minus strand). Cytogenetic location: 20q13.33.
Variant type: single nucleotide variant.
Coding change: c.5968G>A on transcript NM_005560.6 (MANE Select); coding-DNA position 5968, G replaced by A.
Protein change: p.Ala1990Thr; replaces alanine 1990 with threonine.
Molecular consequence: missense variant.
Genome position (GRCh38, 1-based): chr20:62,323,552, C>T on the plus strand (G>A on the coding strand, the complement: LAMA5 is on the minus strand). VCF-style: chr20-62323552-C-T. GRCh37 (hg19) VCF-style: chr20-60898608-C-T.
Other names: short protein forms A1990T.
Identifiers: ClinVar variation 2413486 (VCV002413486.5), dbSNP rs748075941, ClinGen allele CA9941948.

ClinVar aggregate classification (germline): Uncertain significance (1 of 4 stars; one submission).

Allele frequency attached by ClinVar (database versions not stated): TOPMed below 0.00001; gnomAD 0.00002; ExAC 0.00009.
gnomAD v4.1: 59 of 1,592,466 alleles (0.0037%); highest among the groups gnomAD compares: South Asian, 0.033%; no homozygotes.

Submission:

Labcorp Genetics (formerly Invitae), Labcorp
Classification: Uncertain significance. Last evaluated: 2025-11-26. Review status: criteria provided, single submitter. Criteria: Invitae Variant Classification Sherloc (09022015). Collection method: clinical testing. Allele origin: germline.
Comment: This sequence change replaces alanine, which is neutral and non-polar, with threonine, which is neutral and polar, at codon 1990 of the LAMA5 protein (p.Ala1990Thr). This variant is present in population databases (rs748075941, gnomAD 0.04%). This variant has not been reported in the literature in individuals affected with LAMA5-related conditions. ClinVar contains an entry for this variant (Variation ID: 2413486). An algorithm developed to predict the effect of missense changes on protein structure and function outputs the following: PolyPhen-2: "Possibly Damaging". The threonine amino acid residue is found in multiple mammalian species, which suggests that this missense change does not adversely affect protein function. In summary, the available evidence is currently insufficient to determine the role of this variant in disease. Therefore, it has been classified as a Variant of Uncertain Significance.